The following is an entry in ClinVar:

ClinVar aggregate classification (germline): Uncertain significance (1 of 4 stars; one submission).

Submission:

Labcorp Genetics (formerly Invitae), Labcorp
Classification: Uncertain significance. Last evaluated: 2022-06-13. Review status: criteria provided, single submitter. Criteria: Invitae Variant Classification Sherloc (09022015). Collection method: clinical testing. Allele origin: germline.
Comment: ClinVar contains an entry for this variant (Variation ID: 851360). This variant has not been reported in the literature in individuals affected with GRM6-related conditions. Advanced modeling of protein sequence and biophysical properties (such as structural, functional, and spatial information, amino acid conservation, physicochemical variation, residue mobility, and thermodynamic stability) performed at Invitae indicates that this missense variant is not expected to disrupt GRM6 protein function. In summary, the available evidence is currently insufficient to determine the role of this variant in disease. Therefore, it has been classified as a Variant of Uncertain Significance. This variant is present in population databases (no rsID available, gnomAD 0.007%). This sequence change replaces valine, which is neutral and non-polar, with leucine, which is neutral and non-polar, at codon 13 of the GRM6 protein (p.Val13Leu).

NM_000843.4(GRM6):c.37G>C (p.Val13Leu)

Gene: GRM6 (glutamate metabotropic receptor 6; minus strand). Cytogenetic location: 5q35.3.
Variant type: single nucleotide variant.
Coding change: c.37G>C on transcript NM_000843.4 (MANE Select); coding-DNA position 37, G replaced by C.
Protein change: p.Val13Leu; replaces valine 13 with leucine.
Molecular consequence: missense variant.
Genome position (GRCh38, 1-based): chr5:178,994,908, C>G on the plus strand (G>C on the coding strand, the complement: GRM6 is on the minus strand). VCF-style: chr5-178994908-C-G. GRCh37 (hg19) VCF-style: chr5-178421909-C-G.
Other names: short protein forms V13L.
Identifiers: ClinVar variation 851360 (VCV000851360.7), dbSNP rs1358693493, ClinGen allele CA362437195.
Genomic context (GRCh38, chr5:178,994,908, plus strand): 5'-CAGAGCCCGCCGCGCGCGCCAGGCCCGCCTGCGCCAGCCACGCCAGCGGCAGCAGCGCCA[C>G]GAGCAGCGGCTCCCGGGCTCTCCGGGGCCGCGCCATCGGCTCGTCTAGCGGGCTGCGGGG-3'
Protein context (NP_000834.2, residues 3-23): RPRRAREPLL[Val13Leu]ALLPLAWLAQ